The following is an entry in ClinVar:

ClinVar aggregate classification (germline): Uncertain significance (1 of 4 stars; one submission).

Conditions:
Mucopolysaccharidosis type 7 (MPS7). Also called: GUSB DEFICIENCY; SLY SYNDROME; BETA-GLUCURONIDASE DEFICIENCY; MPS VII. Identifiers: Orphanet 584, MedGen C0085132, MONDO:0009662, OMIM 253220.

Allele frequency attached by ClinVar (database versions not stated): gnomAD 0.00001; TOPMed 0.00002; gnomAD exomes 0.00005; ExAC 0.00006.
gnomAD v4.1: 16 of 1,607,602 alleles (0.001%); highest among the groups gnomAD compares: Admixed American, 0.023%; no homozygotes.

Submission:

Labcorp Genetics (formerly Invitae), Labcorp
Classification: Uncertain significance for Mucopolysaccharidosis type 7. Last evaluated: 2022-07-18. Review status: criteria provided, single submitter. Criteria: Invitae Variant Classification Sherloc (09022015). Collection method: clinical testing. Allele origin: germline.
Comment: This sequence change replaces arginine, which is basic and polar, with tryptophan, which is neutral and slightly polar, at codon 66 of the GUSB protein (p.Arg66Trp). This variant is present in population databases (rs776085845, gnomAD 0.04%). This variant has not been reported in the literature in individuals affected with GUSB-related conditions. ClinVar contains an entry for this variant (Variation ID: 1461737). Algorithms developed to predict the effect of missense changes on protein structure and function are either unavailable or do not agree on the potential impact of this missense change (SIFT: "Deleterious"; PolyPhen-2: "Possibly Damaging"; Align-GVGD: "Class C0"). Algorithms developed to predict the effect of sequence changes on RNA splicing suggest that this variant may create or strengthen a splice site. In summary, the available evidence is currently insufficient to determine the role of this variant in disease. Therefore, it has been classified as a Variant of Uncertain Significance.

NM_000181.4(GUSB):c.196C>T (p.Arg66Trp)

Gene: GUSB (glucuronidase beta; minus strand). Cytogenetic location: 7q11.21.
Variant type: single nucleotide variant.
Coding change: c.196C>T on transcript NM_000181.4 (MANE Select); coding-DNA position 196, C replaced by T.
Protein change: p.Arg66Trp; replaces arginine 66 with tryptophan.
Molecular consequence: missense variant. On other transcripts: 5 prime UTR variant (2), non-coding transcript variant (1).
Genome position (GRCh38, 1-based): chr7:65,981,988, G>A on the plus strand (C>T on the coding strand, the complement: GUSB is on the minus strand). VCF-style: chr7-65981988-G-A. GRCh37 (hg19) VCF-style: chr7-65446975-G-A.
Other names: c.196C>T, p.Arg66Trp (NM_001284290.2); c.-190C>T (NM_001293104.2); c.-134C>T (NM_001293105.2); short protein forms R66W.
Identifiers: ClinVar variation 1461737 (VCV001461737.5), dbSNP rs776085845, ClinGen allele CA4276733.